The following is an entry in ClinVar:

ClinVar aggregate classification (germline): Uncertain significance. Review status: criteria provided, multiple submitters, no conflicts (2 of 4 stars). 3 submissions from 3 submitters: Uncertain significance (2). 1 of the submissions does not count toward it. Last evaluated 2024-11-24.

Conditions:
POMK-related disorder. Also called: POMK-related condition.
Muscular dystrophy-dystroglycanopathy (congenital with brain and eye anomalies), type a, 12 (MDDGA12). Also called: WALKER-WARBURG SYNDROME OR MUSCLE-EYE-BRAIN DISEASE, POMK-RELATED. Identifiers: Orphanet 899, MedGen C3808964, MONDO:0014101, OMIM 615249.
Limb-girdle muscular dystrophy due to POMK deficiency. Also called: Muscular dystrophy-dystroglycanopathy (limb-girdle), type c, 12; MUSCULAR DYSTROPHY-DYSTROGLYCANOPATHY, LIMB-GIRDLE, POMK-RELATED. Identifiers: Orphanet 445110, MedGen C4015184, MONDO:0014489, OMIM 616094.
Inborn genetic diseases. Identifiers: MedGen C0950123, MeSH D030342.

Allele frequency attached by ClinVar (database versions not stated): gnomAD exomes 0.00002; ExAC 0.00003; TOPMed 0.00004; gnomAD 0.00006; ESP Exome Variant Server 0.00008.
gnomAD v4.1: 41 of 1,613,986 alleles (0.0025%); highest among the groups gnomAD compares: East Asian, 0.0089%; no homozygotes.

Submissions (3):

Ambry Genetics
Classification: Uncertain significance for Inborn genetic diseases. Last evaluated: 2024-11-24. Review status: criteria provided, single submitter. Criteria: Ambry Variant Classification Scheme 2023. Collection method: clinical testing. Allele origin: germline.

Labcorp Genetics (formerly Invitae), Labcorp
Classification: Uncertain significance for Muscular dystrophy-dystroglycanopathy (congenital with brain and eye anomalies), type a, 12; Limb-girdle muscular dystrophy due to POMK deficiency. Last evaluated: 2022-07-03. Review status: criteria provided, single submitter. Criteria: Invitae Variant Classification Sherloc (09022015). Collection method: clinical testing. Allele origin: germline.
Comment: This sequence change replaces proline, which is neutral and non-polar, with leucine, which is neutral and non-polar, at codon 18 of the POMK protein (p.Pro18Leu). This variant is present in population databases (rs369762572, gnomAD 0.01%). This variant has not been reported in the literature in individuals affected with POMK-related conditions. Algorithms developed to predict the effect of missense changes on protein structure and function are either unavailable or do not agree on the potential impact of this missense change (SIFT: "Tolerated"; PolyPhen-2: "Possibly Damaging"; Align-GVGD: "Class C0"). In summary, the available evidence is currently insufficient to determine the role of this variant in disease. Therefore, it has been classified as a Variant of Uncertain Significance.

PreventionGenetics, part of Exact Sciences
Classification: Uncertain significance for POMK-related condition. Last evaluated: 2024-07-11. Review status: no assertion criteria provided. Collection method: clinical testing. Allele origin: germline. Not counted in ClinVar's aggregate classification.
Comment: The POMK c.53C>T variant is predicted to result in the amino acid substitution p.Pro18Leu. To our knowledge, this variant has not been reported in the literature. This variant is reported in 0.010% of alleles in individuals of East Asian descent in gnomAD. At this time, the clinical significance of this variant is uncertain due to the absence of conclusive functional and genetic evidence.

NM_032237.5(POMK):c.53C>T (p.Pro18Leu)

Gene: POMK (protein O-mannose kinase; plus strand). Cytogenetic location: 8p11.21.
Variant type: single nucleotide variant.
Coding change: c.53C>T on transcript NM_032237.5 (MANE Select); coding-DNA position 53, C replaced by T.
Protein change: p.Pro18Leu; replaces proline 18 with leucine.
Molecular consequence: missense variant.
Genome position (GRCh38, 1-based): chr8:43,103,601, C>T. VCF-style: chr8-43103601-C-T. GRCh37 (hg19) VCF-style: chr8-42958744-C-T.
Other names: c.53C>T, p.Pro18Leu (NM_001277971.2); c.53C>T (NM_032237.4, NM_032237.3); short protein forms P18L.
Identifiers: ClinVar variation 1980590 (VCV001980590.3), dbSNP rs369762572, ClinGen allele CA4736183.